The following is an entry in ClinVar:

ClinVar aggregate classification (germline): Uncertain significance (1 of 4 stars; one submission).

Conditions:
Cardiovascular phenotype. Identifiers: MedGen CN230736.

gnomAD v4.1: 8 of 1,614,068 alleles (0.0005%); highest among the groups gnomAD compares: Non-Finnish European, 0.00068%; no homozygotes.

Submission:

Ambry Genetics
Classification: Uncertain significance for Cardiovascular phenotype. Last evaluated: 2026-04-27. Review status: criteria provided, single submitter. Criteria: Ambry Variant Classification Scheme 2023. Collection method: clinical testing. Allele origin: germline.
Comment: The p.I106T variant (also known as c.317T>C), located in coding exon 8 of the TNNT2 gene, results from a T to C substitution at nucleotide position 317. The isoleucine at codon 106 is replaced by threonine, an amino acid with similar properties. This amino acid position is conserved. In addition, this alteration is predicted to be deleterious by in silico analysis. Based on the available evidence, the clinical significance of this variant remains unclear.

NM_001276345.2(TNNT2):c.347T>C (p.Ile116Thr)

Gene: TNNT2 (troponin T2, cardiac type; minus strand). Cytogenetic location: 1q32.1.
Variant type: single nucleotide variant.
Coding change: c.347T>C on transcript NM_001276345.2 (MANE Select); coding-DNA position 347, T replaced by C.
Protein change: p.Ile116Thr; replaces isoleucine 116 with threonine.
Molecular consequence: missense variant. On other transcripts: intron variant (1).
Genome position (GRCh38, 1-based): chr1:201,365,255, A>G on the plus strand (T>C on the coding strand, the complement: TNNT2 is on the minus strand). VCF-style: chr1-201365255-A-G. GRCh37 (hg19) VCF-style: chr1-201334383-A-G.
Other names: c.347T>C, p.Ile116Thr (NM_000364.4, NM_001406723.1); c.317T>C, p.Ile106Thr (NM_001001430.3, NM_001001431.3, NM_001406724.1 and 3 more transcripts); c.302T>C, p.Ile101Thr (NM_001001432.3, NM_001406728.1); c.314T>C, p.Ile105Thr (NM_001406725.1); c.291+355T>C (NM_001276346.2); short protein forms I101T, I105T, I106T, I116T.
Identifiers: ClinVar variation 4865783 (VCV004865783.1).
Genomic context (GRCh38, chr1:201,365,255, plus strand): 5'-CTGTCTTTGAGAGAAACGAGCTCCTCCTCCTCTTTCTTCCTGTTCTCAAAGTGAGCCTCG[A>G]TCAGCGCCTGCAACTCATTCAGGTCCTTCTCCATGCGCTTCCGGTGGATGTCCTGTGGGT-3'
Protein context (NP_001263274.1, residues 106-126): EKDLNELQAL[Ile116Thr]EAHFENRKKE